The following is an entry in ClinVar:

NM_173728.4(ARHGEF15):c.653G>A (p.Arg218Gln)

Gene: ARHGEF15 (Rho guanine nucleotide exchange factor 15; plus strand). Cytogenetic location: 17p13.1.
Variant type: single nucleotide variant.
Coding change: c.653G>A on transcript NM_173728.4 (MANE Select); coding-DNA position 653, G replaced by A.
Protein change: p.Arg218Gln; replaces arginine 218 with glutamine.
Molecular consequence: missense variant.
Genome position (GRCh38, 1-based): chr17:8,312,973, G>A. VCF-style: chr17-8312973-G-A. GRCh37 (hg19) VCF-style: chr17-8216291-G-A.
Other names: c.653G>A, p.Arg218Gln (NM_025014.2); short protein forms R218Q.
Identifiers: ClinVar variation 2731478 (VCV002731478.3), dbSNP rs773212868, ClinGen allele CA8374950.

ClinVar aggregate classification (germline): Uncertain significance (1 of 4 stars; one submission).

Conditions:
Early-infantile DEE. Also called: Early infantile epileptic encephalopathy; Early infantile epileptic encephalopathy with suppression bursts; Ohtahara syndrome. Identifiers: Orphanet 1934, MedGen C0393706, MONDO:0800491.

Allele frequency attached by ClinVar (database versions not stated): gnomAD 0.00002; gnomAD exomes 0.00001; TOPMed 0.00003; ExAC 0.00002.
gnomAD v4.1: 12 of 1,601,172 alleles (0.00075%); highest among the groups gnomAD compares: East Asian, 0.0089%; no homozygotes.

Submission:

Labcorp Genetics (formerly Invitae), Labcorp
Classification: Uncertain significance for Early-infantile DEE. Last evaluated: 2023-12-25. Review status: criteria provided, single submitter. Criteria: Invitae Variant Classification Sherloc (09022015). Collection method: clinical testing. Allele origin: germline.
Comment: This sequence change replaces arginine, which is basic and polar, with glutamine, which is neutral and polar, at codon 218 of the ARHGEF15 protein (p.Arg218Gln). This variant is present in population databases (rs773212868, gnomAD 0.03%). This variant has not been reported in the literature in individuals affected with ARHGEF15-related conditions. Algorithms developed to predict the effect of missense changes on protein structure and function output the following: SIFT: "Not Available"; PolyPhen-2: "Benign"; Align-GVGD: "Not Available". The glutamine amino acid residue is found in multiple mammalian species, which suggests that this missense change does not adversely affect protein function. In summary, the available evidence is currently insufficient to determine the role of this variant in disease. Therefore, it has been classified as a Variant of Uncertain Significance.